The following is an entry in ClinVar:

NM_020778.5(ALPK3):c.1811C>A (p.Thr604Asn)

Gene: ALPK3 (alpha kinase 3; plus strand). Cytogenetic location: 15q25.3.
Variant type: single nucleotide variant.
Coding change: c.1811C>A on transcript NM_020778.5 (MANE Select); coding-DNA position 1811, C replaced by A.
Protein change: p.Thr604Asn; replaces threonine 604 with asparagine.
Molecular consequence: missense variant.
Genome position (GRCh38, 1-based): chr15:84,856,549, C>A. VCF-style: chr15-84856549-C-A. GRCh37 (hg19) VCF-style: chr15-85399780-C-A.
Other names: c.2417C>A (NM_020778.4); short protein forms T604N.
Identifiers: ClinVar variation 2720379 (VCV002720379.4), dbSNP rs1178189761, ClinGen allele CA393354803.

ClinVar aggregate classification (germline): Uncertain significance. Review status: criteria provided, multiple submitters, no conflicts (2 of 4 stars). 2 submissions from 2 submitters: Uncertain significance (2). Last evaluated 2025-04-24.

Conditions:
Cardiovascular phenotype. Identifiers: MedGen CN230736.

Allele frequency attached by ClinVar (database versions not stated): gnomAD 0.00001; TOPMed 0.00001.
gnomAD v4.1: 2 of 1,613,980 alleles (0.00012%); highest among the groups gnomAD compares: African/African-American, 0.0027%; no homozygotes.

Submissions (2):

Labcorp Genetics (formerly Invitae), Labcorp
Classification: Uncertain significance. Last evaluated: 2025-04-24. Review status: criteria provided, single submitter. Criteria: Invitae Variant Classification Sherloc (09022015). Collection method: clinical testing. Allele origin: germline.
Comment: This sequence change replaces threonine, which is neutral and polar, with asparagine, which is neutral and polar, at codon 806 of the ALPK3 protein (p.Thr806Asn). This variant is present in population databases (no rsID available, gnomAD 0.01%). This variant has not been reported in the literature in individuals affected with ALPK3-related conditions. ClinVar contains an entry for this variant (Variation ID: 2720379). Invitae Evidence Modeling of protein sequence and biophysical properties (such as structural, functional, and spatial information, amino acid conservation, physicochemical variation, residue mobility, and thermodynamic stability) indicates that this missense variant is not expected to disrupt ALPK3 protein function with a negative predictive value of 80%. In summary, the available evidence is currently insufficient to determine the role of this variant in disease. Therefore, it has been classified as a Variant of Uncertain Significance.

Ambry Genetics
Classification: Uncertain significance for Cardiovascular phenotype. Last evaluated: 2024-06-26. Review status: criteria provided, single submitter. Criteria: Ambry Variant Classification Scheme 2023. Collection method: clinical testing. Allele origin: germline.
Comment: The p.T806N variant (also known as c.2417C>A), located in coding exon 6 of the ALPK3 gene, results from a C to A substitution at nucleotide position 2417. The threonine at codon 806 is replaced by asparagine, an amino acid with similar properties. This amino acid position is conserved. In addition, this alteration is predicted to be tolerated by in silico analysis. Based on the available evidence, the clinical significance of this variant remains unclear.